The following is an entry in ClinVar:

ClinVar aggregate classification (germline): Uncertain significance (1 of 4 stars; one submission).

Allele frequency attached by ClinVar (database versions not stated): TOPMed 0.00001; ExAC 0.00002; gnomAD exomes 0.00002; gnomAD 0.00006.
gnomAD v4.1: 34 of 1,613,896 alleles (0.0021%); highest among the groups gnomAD compares: Non-Finnish European, 0.0029%; no homozygotes.

Submission:

Labcorp Genetics (formerly Invitae), Labcorp
Classification: Uncertain significance. Last evaluated: 2025-05-27. Review status: criteria provided, single submitter. Criteria: Invitae Variant Classification Sherloc (09022015). Collection method: clinical testing. Allele origin: germline.
Comment: This sequence change replaces aspartic acid, which is acidic and polar, with asparagine, which is neutral and polar, at codon 1050 of the MYO18B protein (p.Asp1050Asn). This variant is present in population databases (rs767998200, gnomAD 0.01%). This variant has not been reported in the literature in individuals affected with MYO18B-related conditions. ClinVar contains an entry for this variant (Variation ID: 1408423). An algorithm developed to predict the effect of missense changes on protein structure and function (PolyPhen-2) suggests that this variant is likely to be disruptive. In summary, the available evidence is currently insufficient to determine the role of this variant in disease. Therefore, it has been classified as a Variant of Uncertain Significance.

NM_032608.7(MYO18B):c.3148G>A (p.Asp1050Asn)

Gene: MYO18B (myosin XVIIIB; plus strand). Cytogenetic location: 22q12.1.
Variant type: single nucleotide variant.
Coding change: c.3148G>A on transcript NM_032608.7 (MANE Select); coding-DNA position 3148, G replaced by A.
Protein change: p.Asp1050Asn; replaces aspartic acid 1050 with asparagine.
Molecular consequence: missense variant.
Genome position (GRCh38, 1-based): chr22:25,835,383, G>A. VCF-style: chr22-25835383-G-A. GRCh37 (hg19) VCF-style: chr22-26231350-G-A.
Other names: c.3151G>A, p.Asp1051Asn (NM_001318245.2); short protein forms D1051N, D1050N.
Identifiers: ClinVar variation 1408423 (VCV001408423.4), dbSNP rs767998200, ClinGen allele CA10160466.